The following is an entry in ClinVar:

NM_001276270.2(MBD4):c.275G>C (p.Arg92Thr)

Gene: MBD4 (methyl-CpG binding domain 4, DNA glycosylase; minus strand). Cytogenetic location: 3q21.3.
Variant type: single nucleotide variant.
Coding change: c.275G>C on transcript NM_001276270.2 (MANE Select); coding-DNA position 275, G replaced by C.
Protein change: p.Arg92Thr; replaces arginine 92 with threonine.
Molecular consequence: missense variant. On other transcripts: intron variant (1).
Genome position (GRCh38, 1-based): chr3:129,437,780, C>G on the plus strand (G>C on the coding strand, the complement: MBD4 is on the minus strand). VCF-style: chr3-129437780-C-G. GRCh37 (hg19) VCF-style: chr3-129156623-C-G.
Other names: c.275G>C, p.Arg92Thr (NM_001276272.2, NM_003925.3, NM_001276271.2); c.247+28G>C (NM_001276273.2); short protein forms R92T.
Identifiers: ClinVar variation 2787181 (VCV002787181.5), dbSNP rs1365312836, ClinGen allele CA354468417.

ClinVar aggregate classification (germline): Uncertain significance. Review status: criteria provided, multiple submitters, no conflicts (2 of 4 stars). 2 submissions from 2 submitters: Uncertain significance (2). Last evaluated 2025-08-20.

Conditions:
Inborn genetic diseases. Identifiers: MedGen C0950123, MeSH D030342.

Allele frequency attached by ClinVar (database versions not stated): gnomAD exomes 0.00001; TOPMed 0.00001.
gnomAD v4.1: 3 of 1,614,190 alleles (0.00019%); highest among the groups gnomAD compares: Non-Finnish European, 0.00025%; no homozygotes.

Submissions (2):

Ambry Genetics
Classification: Uncertain significance for Inborn genetic diseases. Last evaluated: 2025-08-20. Review status: criteria provided, single submitter. Criteria: Ambry Variant Classification Scheme 2023. Collection method: clinical testing. Allele origin: germline.

Labcorp Genetics (formerly Invitae), Labcorp
Classification: Uncertain significance. Last evaluated: 2025-04-13. Review status: criteria provided, single submitter. Criteria: Invitae Variant Classification Sherloc (09022015). Collection method: clinical testing. Allele origin: germline.
Comment: This sequence change replaces arginine, which is basic and polar, with threonine, which is neutral and polar, at codon 92 of the MBD4 protein (p.Arg92Thr). This variant is present in population databases (no rsID available, gnomAD 0.0009%). This variant has not been reported in the literature in individuals affected with MBD4-related conditions. ClinVar contains an entry for this variant (Variation ID: 2787181). An algorithm developed to predict the effect of missense changes on protein structure and function (PolyPhen-2) suggests that this variant is likely to be disruptive. In summary, the available evidence is currently insufficient to determine the role of this variant in disease. Therefore, it has been classified as a Variant of Uncertain Significance.